The following is an entry in ClinVar:

ClinVar aggregate classification (germline): Benign. Review status: criteria provided, multiple submitters, no conflicts (2 of 4 stars). 3 submissions from 3 submitters: Benign (3). Last evaluated 2024-01-24.

Allele frequency attached by ClinVar (database versions not stated): gnomAD exomes 0.31694; gnomAD 0.36150 and 0.36425; ESP Exome Variant Server 0.36187; TOPMed 0.37875; 1000 Genomes Project 0.40675; ExAC 0.40892; 1000 Genomes Project 30x 0.41302.

Submissions (3):

Unidad de Genómica Garrahan, Hospital de Pediatría Garrahan
Classification: Benign. Last evaluated: 2024-01-24. Review status: criteria provided, single submitter. Criteria: ACMG Guidelines, 2015. Collection method: clinical testing. Allele origin: germline. Affected: no. Observed: 53 variant alleles.
Comment: This variant is classified as Benign based on local population frequency. This variant was detected in 60% of patients studied by a panel of primary immunodeficiencies. Number of patients: 53. Only high quality variants are reported.

GeneDx
Classification: Benign. Last evaluated: 2018-06-23. Review status: criteria provided, single submitter. Criteria: GeneDx Variant Classification Process June 2021. Collection method: clinical testing. Allele origin: germline. Affected: yes.

Breakthrough Genomics
Classification: Benign. Review status: criteria provided, single submitter. Criteria: ACMG Guidelines, 2015. Collection method: not provided. Allele origin: germline. Inheritance: Autosomal recessive inheritance. Affected: yes.

NM_000215.4(JAK3):c.184+22C>T

Gene: JAK3 (Janus kinase 3; minus strand). Cytogenetic location: 19p13.11.
Variant type: single nucleotide variant.
Coding change: c.184+22C>T on transcript NM_000215.4 (MANE Select); 22 bases into the intron after coding-DNA position 184, C replaced by T.
Molecular consequence: intron variant.
Genome position (GRCh38, 1-based): chr19:17,844,212, G>A on the plus strand (C>T on the coding strand, the complement: JAK3 is on the minus strand). VCF-style: chr19-17844212-G-A. GRCh37 (hg19) VCF-style: chr19-17955021-G-A.
Identifiers: ClinVar variation 1183811 (VCV001183811.5), dbSNP rs3212711, ClinGen allele CA9302251.